The following is an entry in ClinVar:

NM_001130823.3(DNMT1):c.3365C>G (p.Pro1122Arg)

Gene: DNMT1 (DNA methyltransferase 1; minus strand). Cytogenetic location: 19p13.2.
Variant type: single nucleotide variant.
Coding change: c.3365C>G on transcript NM_001130823.3 (MANE Select); coding-DNA position 3365, C replaced by G.
Protein change: p.Pro1122Arg; replaces proline 1122 with arginine.
Molecular consequence: missense variant.
Genome position (GRCh38, 1-based): chr19:10,141,134, G>C on the plus strand (C>G on the coding strand, the complement: DNMT1 is on the minus strand). VCF-style: chr19-10141134-G-C. GRCh37 (hg19) VCF-style: chr19-10251810-G-C.
Other names: c.3317C>G, p.Pro1106Arg (NM_001318730.2, NM_001379.4); c.3002C>G, p.Pro1001Arg (NM_001318731.2); short protein forms P1001R, P1122R, P1106R.
Identifiers: ClinVar variation 955495 (VCV000955495.8), dbSNP rs2089592318, ClinGen allele CA403974205.

ClinVar aggregate classification (germline): Uncertain significance (1 of 4 stars; one submission).

Conditions:
Hereditary sensory neuropathy-deafness-dementia syndrome. Also called: Hereditary sensory neuropathy type IE; NEUROPATHY, HEREDITARY SENSORY, WITH HEARING LOSS AND DEMENTIA; HSN IE; Hereditary Sensory and Autonomic Neuropathy Type 1E (HSAN1E). Identifiers: Orphanet 456318, MedGen C3279885, MONDO:0013584, OMIM 614116.

Submission:

Labcorp Genetics (formerly Invitae), Labcorp
Classification: Uncertain significance for Hereditary sensory neuropathy-deafness-dementia syndrome. Last evaluated: 2019-10-16. Review status: criteria provided, single submitter. Criteria: Invitae Variant Classification Sherloc (09022015). Collection method: clinical testing. Allele origin: germline.
Comment: This sequence change replaces proline with arginine at codon 1122 of the DNMT1 protein (p.Pro1122Arg). The proline residue is moderately conserved and there is a moderate physicochemical difference between proline and arginine. This variant is not present in population databases (ExAC no frequency). This variant has not been reported in the literature in individuals with DNMT1-related conditions. Algorithms developed to predict the effect of missense changes on protein structure and function are either unavailable or do not agree on the potential impact of this missense change (SIFT: "Deleterious"; PolyPhen-2: "Benign"; Align-GVGD: "Class C0"). In summary, the available evidence is currently insufficient to determine the role of this variant in disease. Therefore, it has been classified as a Variant of Uncertain Significance.